The following is an entry in ClinVar:

ClinVar aggregate classification (germline): Uncertain significance (1 of 4 stars; one submission).

gnomAD v4.1: 4 of 1,613,930 alleles (0.00025%); highest among the groups gnomAD compares: African/African-American, 0.004%; no homozygotes.

Submission:

Labcorp Genetics (formerly Invitae), Labcorp
Classification: Uncertain significance. Last evaluated: 2025-11-26. Review status: criteria provided, single submitter. Criteria: Invitae Variant Classification Sherloc (09022015). Collection method: clinical testing. Allele origin: germline.
Comment: This sequence change replaces glutamic acid, which is acidic and polar, with lysine, which is basic and polar, at codon 545 of the ALPK3 protein (p.Glu545Lys). This variant is present in population databases (rs367619588, gnomAD 0.007%). This variant has not been reported in the literature in individuals affected with ALPK3-related conditions. An algorithm developed to predict the effect of missense changes on protein structure and function (PolyPhen-2) suggests that this variant is likely to be disruptive. In summary, the available evidence is currently insufficient to determine the role of this variant in disease. Therefore, it has been classified as a Variant of Uncertain Significance.

NM_020778.5(ALPK3):c.1027G>A (p.Glu343Lys)

Gene: ALPK3 (alpha kinase 3; plus strand). Cytogenetic location: 15q25.3.
Variant type: single nucleotide variant.
Coding change: c.1027G>A on transcript NM_020778.5 (MANE Select); coding-DNA position 1027, G replaced by A.
Protein change: p.Glu343Lys; replaces glutamic acid 343 with lysine.
Molecular consequence: missense variant.
Genome position (GRCh38, 1-based): chr15:84,840,306, G>A. VCF-style: chr15-84840306-G-A. GRCh37 (hg19) VCF-style: chr15-85383537-G-A.
Other names: short protein forms E343K.
Identifiers: ClinVar variation 4806893 (VCV004806893.1).